The following is an entry in ClinVar:

ClinVar aggregate classification (germline): Uncertain significance (1 of 4 stars; one submission).

Submission:

GeneDx
Classification: Uncertain significance. Last evaluated: 2025-03-03. Review status: criteria provided, single submitter. Criteria: GeneDx Variant Classification Process June 2021. Collection method: clinical testing. Allele origin: germline.
Comment: Not observed at significant frequency in large population cohorts (gnomAD); In silico analysis supports a deleterious effect on splicing; Has not been previously published as pathogenic or benign to our knowledge

NM_138615.3(DHX30):c.258A>G (p.Lys86=)

Gene: DHX30 (DExH-box helicase 30; plus strand). Cytogenetic location: 3p21.31.
Variant type: single nucleotide variant.
Coding change: c.258A>G on transcript NM_138615.3 (MANE Select); coding-DNA position 258, A replaced by G.
Protein change: p.Lys86=; no amino-acid change (lysine 86 retained).
Molecular consequence: synonymous variant.
Genome position (GRCh38, 1-based): chr3:47,829,026, A>G. VCF-style: chr3-47829026-A-G. GRCh37 (hg19) VCF-style: chr3-47870516-A-G.
Other names: c.174A>G, p.Lys58= (NM_001330990.2); c.141A>G, p.Lys47= (NM_014966.4).
Identifiers: ClinVar variation 2579970 (VCV002579970.2), dbSNP rs2036683996, ClinGen allele CA433511812.